The following is an entry in ClinVar:

ClinVar aggregate classification (germline): Uncertain significance. Review status: criteria provided, multiple submitters, no conflicts (2 of 4 stars). 2 submissions from 2 submitters: Uncertain significance (2). Last evaluated 2022-12-21.

Conditions:
Leber congenital amaurosis 6 (LCA6). Identifiers: Orphanet 65, MedGen C1854260, MONDO:0013446, OMIM 613826.
Cone-rod dystrophy 13 (CORD13). Identifiers: Orphanet 1872, MedGen C2750720, MONDO:0011987, OMIM 608194.
Inborn genetic diseases. Identifiers: MedGen C0950123, MeSH D030342.

Allele frequency attached by ClinVar (database versions not stated): gnomAD exomes below 0.00001; ExAC 0.00001.
gnomAD v4.1: 1 of 1,609,536 alleles (0.000062%); highest among the groups gnomAD compares: Non-Finnish European, 0.000085%; no homozygotes.

Submissions (2):

Ambry Genetics
Classification: Uncertain significance for Inborn genetic diseases. Last evaluated: 2022-12-21. Review status: criteria provided, single submitter. Criteria: Ambry Variant Classification Scheme 2023. Collection method: clinical testing. Allele origin: germline.

Labcorp Genetics (formerly Invitae), Labcorp
Classification: Uncertain significance for Leber congenital amaurosis 6; Cone-rod dystrophy 13. Last evaluated: 2021-12-08. Review status: criteria provided, single submitter. Criteria: Invitae Variant Classification Sherloc (09022015). Collection method: clinical testing. Allele origin: germline.
Comment: This sequence change replaces serine, which is neutral and polar, with arginine, which is basic and polar, at codon 1091 of the RPGRIP1 protein (p.Ser1091Arg). This variant is present in population databases (rs749295693, gnomAD 0.0009%). This variant has not been reported in the literature in individuals affected with RPGRIP1-related conditions. Algorithms developed to predict the effect of missense changes on protein structure and function are either unavailable or do not agree on the potential impact of this missense change (SIFT: "Tolerated"; PolyPhen-2: "Probably Damaging"; Align-GVGD: "Class C0"). In summary, the available evidence is currently insufficient to determine the role of this variant in disease. Therefore, it has been classified as a Variant of Uncertain Significance.

NM_020366.4(RPGRIP1):c.3271A>C (p.Ser1091Arg)

Gene: RPGRIP1 (RPGR interacting protein 1; plus strand). Cytogenetic location: 14q11.2.
Variant type: single nucleotide variant.
Coding change: c.3271A>C on transcript NM_020366.4 (MANE Select); coding-DNA position 3271, A replaced by C.
Protein change: p.Ser1091Arg; replaces serine 1091 with arginine.
Molecular consequence: missense variant.
Genome position (GRCh38, 1-based): chr14:21,334,637, A>C. VCF-style: chr14-21334637-A-C. GRCh37 (hg19) VCF-style: chr14-21802796-A-C.
Other names: c.1249A>C, p.Ser417Arg (NM_001377523.1, NM_001377950.1); c.2197A>C, p.Ser733Arg (NM_001377948.1); c.1357A>C, p.Ser453Arg (NM_001377949.1); c.754A>C, p.Ser252Arg (NM_001377951.1); c.3271A>C (NM_020366.3); short protein forms S252R, S417R, S453R, S733R, S1091R.
Identifiers: ClinVar variation 1463948 (VCV001463948.7), dbSNP rs749295693, ClinGen allele CA7089476.